The following is an entry in ClinVar:

NM_006949.4(STXBP2):c.1615A>G (p.Met539Val)

Gene: STXBP2 (syntaxin binding protein 2; plus strand). Cytogenetic location: 19p13.2.
Variant type: single nucleotide variant.
Coding change: c.1615A>G on transcript NM_006949.4 (MANE Select); coding-DNA position 1615, A replaced by G.
Protein change: p.Met539Val; replaces methionine 539 with valine.
Molecular consequence: missense variant. On other transcripts: non-coding transcript variant (1).
Genome position (GRCh38, 1-based): chr19:7,647,430, A>G. VCF-style: chr19-7647430-A-G. GRCh37 (hg19) VCF-style: chr19-7712316-A-G.
Other names: c.1606A>G, p.Met536Val (NM_001127396.3); c.1648A>G, p.Met550Val (NM_001272034.2); c.1519A>G, p.Met507Val (NM_001414484.1); short protein forms M536V, M507V, M539V, M550V.
Identifiers: ClinVar variation 3676216 (VCV003676216.2).

ClinVar aggregate classification (germline): Uncertain significance (1 of 4 stars; one submission).

Conditions:
Familial hemophagocytic lymphohistiocytosis 5. Also called: STXBP2-Related Familial Hemophagocytic Lymphohistiocytosis (STXBP2-fHLH). Identifiers: Orphanet 540, MedGen C2751293, MONDO:0013135, OMIM 613101.

gnomAD v4.1: 6 of 1,613,462 alleles (0.00037%); highest among the groups gnomAD compares: South Asian, 0.0033%; no homozygotes.

Submission:

Labcorp Genetics (formerly Invitae), Labcorp
Classification: Uncertain significance for Familial hemophagocytic lymphohistiocytosis 5. Last evaluated: 2024-05-15. Review status: criteria provided, single submitter. Criteria: Invitae Variant Classification Sherloc (09022015). Collection method: clinical testing. Allele origin: germline.
Comment: This sequence change replaces methionine, which is neutral and non-polar, with valine, which is neutral and non-polar, at codon 539 of the STXBP2 protein (p.Met539Val). This variant is not present in population databases (gnomAD no frequency). This variant has not been reported in the literature in individuals affected with STXBP2-related conditions. Advanced modeling of protein sequence and biophysical properties (such as structural, functional, and spatial information, amino acid conservation, physicochemical variation, residue mobility, and thermodynamic stability) performed at Invitae indicates that this missense variant is not expected to disrupt STXBP2 protein function with a negative predictive value of 80%. In summary, the available evidence is currently insufficient to determine the role of this variant in disease. Therefore, it has been classified as a Variant of Uncertain Significance.